The following is an entry in ClinVar:

NM_018180.3(DHX32):c.1931A>G (p.Lys644Arg)

Genes: BCCIP (BRCA2 and CDKN1A interacting protein; plus strand), DHX32 (DEAH-box helicase 32 (putative); minus strand). Cytogenetic location: 10q26.2.
Variant type: single nucleotide variant.
Coding change: c.1931A>G on transcript NM_018180.3 (MANE Select); coding-DNA position 1931, A replaced by G.
Protein change: p.Lys644Arg; replaces lysine 644 with arginine.
Molecular consequence: missense variant. On other transcripts: intron variant (2).
Genome position (GRCh38, 1-based): chr10:125,838,338, T>C on the plus strand (A>G on the coding strand, the complement: DHX32 is on the minus strand). VCF-style: chr10-125838338-T-C. GRCh37 (hg19) VCF-style: chr10-127526907-T-C.
Other names: c.775-2917T>C (NM_016567.4, NM_078469.3); short protein forms K644R.
Identifiers: ClinVar variation 3650400 (VCV003650400.2).

ClinVar aggregate classification (germline): Uncertain significance (1 of 4 stars; one submission).

gnomAD v4.1: 1 of 1,613,022 alleles (0.000062%); highest among the groups gnomAD compares: Non-Finnish European, 0.000085%; no homozygotes.

Submission:

Labcorp Genetics (formerly Invitae), Labcorp
Classification: Uncertain significance. Last evaluated: 2024-04-18. Review status: criteria provided, single submitter. Criteria: Invitae Variant Classification Sherloc (09022015). Collection method: clinical testing. Allele origin: germline.
Comment: This sequence change replaces lysine, which is basic and polar, with arginine, which is basic and polar, at codon 644 of the DHX32 protein (p.Lys644Arg). This variant is present in population databases (rs140975050, gnomAD 0.0009%). This variant has not been reported in the literature in individuals affected with DHX32-related conditions. An algorithm developed to predict the effect of missense changes on protein structure and function (PolyPhen-2) suggests that this variant is likely to be tolerated. In summary, the available evidence is currently insufficient to determine the role of this variant in disease. Therefore, it has been classified as a Variant of Uncertain Significance.